The following is an entry in ClinVar:

ClinVar aggregate classification (germline): Uncertain significance (1 of 4 stars; one submission).

Conditions:
Glycogen storage disease, type V (GSD5). Also called: McArdle type glycogen storage disease; MCARDLE DISEASE; MUSCLE GLYCOGEN PHOSPHORYLASE DEFICIENCY; MYOPHOSPHORYLASE DEFICIENCY; PYGM DEFICIENCY. Identifiers: Orphanet 368, MedGen C0017924, MONDO:0009293, OMIM 232600.

Submission:

Labcorp Genetics (formerly Invitae), Labcorp
Classification: Uncertain significance for Glycogen storage disease, type V. Last evaluated: 2024-07-08. Review status: criteria provided, single submitter. Criteria: Invitae Variant Classification Sherloc (09022015). Collection method: clinical testing. Allele origin: germline.
Comment: This sequence change replaces lysine, which is basic and polar, with glutamic acid, which is acidic and polar, at codon 81 of the PYGM protein (p.Lys81Glu). This variant is not present in population databases (gnomAD no frequency). This variant has not been reported in the literature in individuals affected with PYGM-related conditions. An algorithm developed to predict the effect of missense changes on protein structure and function (PolyPhen-2) suggests that this variant is likely to be disruptive. In summary, the available evidence is currently insufficient to determine the role of this variant in disease. Therefore, it has been classified as a Variant of Uncertain Significance.

NM_005609.4(PYGM):c.241A>G (p.Lys81Glu)

Gene: PYGM (glycogen phosphorylase, muscle associated; minus strand). Cytogenetic location: 11q13.1.
Variant type: single nucleotide variant.
Coding change: c.241A>G on transcript NM_005609.4 (MANE Select); coding-DNA position 241, A replaced by G.
Protein change: p.Lys81Glu; replaces lysine 81 with glutamic acid.
Molecular consequence: missense variant.
Genome position (GRCh38, 1-based): chr11:64,759,658, T>C on the plus strand (A>G on the coding strand, the complement: PYGM is on the minus strand). VCF-style: chr11-64759658-T-C. GRCh37 (hg19) VCF-style: chr11-64527130-T-C.
Other names: c.241A>G, p.Lys81Glu (NM_001164716.1); short protein forms K81E.
Identifiers: ClinVar variation 3610698 (VCV003610698.2).